The following is an entry in ClinVar:

ClinVar aggregate classification (germline): Likely benign. Review status: criteria provided, multiple submitters, no conflicts (2 of 4 stars). 3 submissions from 3 submitters: Likely benign (3). Last evaluated 2025-09-28.

Conditions:
Hereditary cancer-predisposing syndrome. Also called: Hereditary Cancer Syndrome; Neoplastic Syndromes, Hereditary; Hereditary neoplastic syndrome; Tumor predisposition. Identifiers: Orphanet 140162, MedGen C0027672, MeSH D009386, MONDO:0015356.
EGFR-related lung cancer (EGFR). Identifiers: MedGen CN130014.

Submissions (3):

Labcorp Genetics (formerly Invitae), Labcorp
Classification: Likely benign for EGFR-related lung cancer. Last evaluated: 2025-09-28. Review status: criteria provided, single submitter. Criteria: Invitae Variant Classification Sherloc (09022015). Collection method: clinical testing. Allele origin: germline.

CeGaT Center for Human Genetics Tuebingen
Classification: Likely benign. Last evaluated: 2025-01-01. Review status: criteria provided, single submitter. Criteria: CeGaT Center For Human Genetics Tuebingen Variant Classification Criteria Version 2. Collection method: clinical testing. Allele origin: germline. Affected: yes. Observed: 1 variant allele.
Comment: EGFR: PM2:Supporting, BP4, BP7

Ambry Genetics
Classification: Likely benign for Hereditary cancer-predisposing syndrome. Last evaluated: 2024-12-13. Review status: criteria provided, single submitter. Criteria: Ambry Variant Classification Scheme 2023. Collection method: clinical testing. Allele origin: germline.

NM_005228.5(EGFR):c.27A>C (p.Ala9=)

Gene: EGFR (epidermal growth factor receptor; plus strand). Cytogenetic location: 7p11.2.
Variant type: single nucleotide variant.
Coding change: c.27A>C on transcript NM_005228.5 (MANE Select); coding-DNA position 27, A replaced by C.
Protein change: p.Ala9=; no amino-acid change (alanine 9 retained).
Molecular consequence: synonymous variant.
Genome position (GRCh38, 1-based): chr7:55,019,304, A>C. VCF-style: chr7-55019304-A-C. GRCh37 (hg19) VCF-style: chr7-55086997-A-C.
Other names: c.27A>C, p.Ala9= (NM_001346897.2, NM_001346898.2, NM_001346899.2 and 4 more transcripts); c.27A>C (NM_005228.3).
Identifiers: ClinVar variation 1620741 (VCV001620741.22), dbSNP rs1786368960, ClinGen allele CA455146463.